The following is an entry in ClinVar:

NM_002661.5(PLCG2):c.743G>C (p.Arg248Thr)

Gene: PLCG2 (phospholipase C gamma 2; plus strand). Cytogenetic location: 16q23.3.
Variant type: single nucleotide variant.
Coding change: c.743G>C on transcript NM_002661.5 (MANE Select); coding-DNA position 743, G replaced by C.
Protein change: p.Arg248Thr; replaces arginine 248 with threonine.
Molecular consequence: missense variant.
Genome position (GRCh38, 1-based): chr16:81,883,319, G>C. VCF-style: chr16-81883319-G-C. GRCh37 (hg19) VCF-style: chr16-81916924-G-C.
Other names: short protein forms R248T.
Identifiers: ClinVar variation 1445589 (VCV001445589.8), dbSNP rs1328979532, ClinGen allele CA396908437.

ClinVar aggregate classification (germline): Uncertain significance (1 of 4 stars; one submission).

Conditions:
Familial cold autoinflammatory syndrome 3 (FCAS3). Also called: FAMILIAL ATYPICAL COLD URTICARIA; ANTIBODY DEFICIENCY AND IMMUNE DYSREGULATION, PLCG2-ASSOCIATED. Identifiers: Orphanet 300359, MedGen C3280914, MONDO:0013766, OMIM 614468.

Allele frequency attached by ClinVar (database versions not stated): gnomAD exomes below 0.00001; gnomAD 0.00001; TOPMed 0.00001.
gnomAD v4.1: 3 of 1,613,996 alleles (0.00019%); highest among the groups gnomAD compares: African/African-American, 0.0013%; no homozygotes.

Submission:

Labcorp Genetics (formerly Invitae), Labcorp
Classification: Uncertain significance for Familial cold autoinflammatory syndrome 3. Last evaluated: 2022-03-07. Review status: criteria provided, single submitter. Criteria: Invitae Variant Classification Sherloc (09022015). Collection method: clinical testing. Allele origin: germline.
Comment: In summary, the available evidence is currently insufficient to determine the role of this variant in disease. Therefore, it has been classified as a Variant of Uncertain Significance. Algorithms developed to predict the effect of missense changes on protein structure and function are either unavailable or do not agree on the potential impact of this missense change (SIFT: "Deleterious"; PolyPhen-2: "Probably Damaging"; Align-GVGD: "Class C0"). This variant has not been reported in the literature in individuals affected with PLCG2-related conditions. This variant is not present in population databases (gnomAD no frequency). This sequence change replaces arginine, which is basic and polar, with threonine, which is neutral and polar, at codon 248 of the PLCG2 protein (p.Arg248Thr).